The following is an entry in ClinVar:

ClinVar aggregate classification (germline): Likely benign. Review status: criteria provided, multiple submitters, no conflicts (2 of 4 stars). 4 submissions from 4 submitters: Likely benign (4). Last evaluated 2026-02-01.

Conditions:
Congenital myopathy 4B, autosomal recessive. Also called: Nemaline myopathy 1, autosomal dominant or recessive. Identifiers: Orphanet 171433, Orphanet 171439, Orphanet 171881, MedGen C5829889, MONDO:0012239, OMIM 609284.
Congenital myopathy with fiber type disproportion. Also called: Congenital fiber-type disproportion myopathy; Congenital fiber-type disproportion. Identifiers: Orphanet 2020, MedGen C0546264, MONDO:0009711. Inheritance: all.

Allele frequency attached by ClinVar (database versions not stated): TOPMed 0.00002; ExAC 0.00003; gnomAD 0.00003 and 0.00004; gnomAD exomes 0.00003 and 0.00004.

Submissions (4):

CeGaT Center for Human Genetics Tuebingen
Classification: Likely benign. Last evaluated: 2026-02-01. Review status: criteria provided, single submitter. Criteria: CeGaT Center For Human Genetics Tuebingen Variant Classification Criteria Version 2. Collection method: clinical testing. Allele origin: germline. Affected: yes. Observed: 1 variant allele.
Comment: TPM3: BP4

Labcorp Genetics (formerly Invitae), Labcorp
Classification: Likely benign for Congenital myopathy with fiber type disproportion; Congenital myopathy 4B, autosomal recessive. Last evaluated: 2025-06-03. Review status: criteria provided, single submitter. Criteria: Invitae Variant Classification Sherloc (09022015). Collection method: clinical testing. Allele origin: germline.

Blueprint Genetics
Classification: Likely benign. Last evaluated: 2024-09-16. Review status: criteria provided, single submitter. Criteria: ACMG Guidelines, 2015. Collection method: clinical testing. Allele origin: germline.

GeneDx
Classification: Likely benign. Last evaluated: 2018-03-16. Review status: criteria provided, single submitter. Criteria: GeneDx Variant Classification (06012015). Collection method: clinical testing. Allele origin: germline. Affected: yes.
Comment: This variant is considered likely benign or benign based on one or more of the following criteria: it is a conservative change, it occurs at a poorly conserved position in the protein, it is predicted to be benign by multiple in silico algorithms, and/or has population frequency not consistent with disease.

NM_152263.4(TPM3):c.36G>A (p.Leu12=)

Gene: TPM3 (tropomyosin 3; minus strand). Cytogenetic location: 1q21.3.
Variant type: single nucleotide variant.
Coding change: c.36G>A on transcript NM_152263.4 (MANE Select); coding-DNA position 36, G replaced by A.
Protein change: p.Leu12=; no amino-acid change (leucine 12 retained).
Molecular consequence: synonymous variant. On other transcripts: non-coding transcript variant (1).
Genome position (GRCh38, 1-based): chr1:154,191,983, C>T on the plus strand (G>A on the coding strand, the complement: TPM3 is on the minus strand). VCF-style: chr1-154191983-C-T. GRCh37 (hg19) VCF-style: chr1-154164459-C-T.
Other names: c.36G>A, p.Leu12= (NM_001364679.2, NM_001364680.2, NM_001364681.2 and 1 more transcripts).
Identifiers: ClinVar variation 507041 (VCV000507041.15), dbSNP rs748116674, ClinGen allele CA1125832.